The following is an entry in ClinVar:

ClinVar aggregate classification (germline): Uncertain significance (1 of 4 stars; one submission).

Conditions:
Cardiovascular phenotype. Identifiers: MedGen CN230736.

Submission:

Ambry Genetics
Classification: Uncertain significance for Cardiovascular phenotype. Last evaluated: 2021-12-14. Review status: criteria provided, single submitter. Criteria: Ambry Variant Classification Scheme 2023. Collection method: clinical testing. Allele origin: germline.
Comment: The p.K1533R variant (also known as c.4598A>G), located in coding exon 33 of the DMD gene, results from an A to G substitution at nucleotide position 4598. The lysine at codon 1533 is replaced by arginine, an amino acid with highly similar properties. This amino acid position is not well conserved in available vertebrate species. In addition, this alteration is predicted to be tolerated by in silico analysis. Since supporting evidence is limited at this time, the clinical significance of this alteration remains unclear.

NM_004006.3(DMD):c.4598A>G (p.Lys1533Arg)

Gene: DMD (dystrophin; minus strand). Cytogenetic location: Xp21.1.
Variant type: single nucleotide variant.
Coding change: c.4598A>G on transcript NM_004006.3 (MANE Select); coding-DNA position 4598, A replaced by G.
Protein change: p.Lys1533Arg; replaces lysine 1533 with arginine.
Molecular consequence: missense variant.
Genome position (GRCh38, 1-based): chrX:32,386,386, T>C on the plus strand (A>G on the coding strand, the complement: DMD is on the minus strand). VCF-style: chrX-32386386-T-C. GRCh37 (hg19) VCF-style: chrX-32404503-T-C.
Other names: c.4574A>G, p.Lys1525Arg (NM_000109.4); c.4586A>G, p.Lys1529Arg (NM_004009.3); c.4229A>G, p.Lys1410Arg (NM_004010.3); c.575A>G, p.Lys192Arg (NM_004011.4); c.566A>G, p.Lys189Arg (NM_004012.4); short protein forms K1410R, K192R, K1533R, K189R, K1525R, K1529R.
Identifiers: ClinVar variation 1741739 (VCV001741739.2), dbSNP rs2523042706, ClinGen allele CA412662635.